The following is an entry in ClinVar:

ClinVar aggregate classification (germline): Conflicting classifications of pathogenicity. Review status: criteria provided, conflicting classifications (1 of 4 stars). 5 submissions from 5 submitters: Uncertain significance (1); Likely benign (3). 1 of the submissions does not count toward it. Last evaluated 2026-01-31.

Conditions:
DNAH11-related disorder. Also called: DNAH11-related condition.
Primary ciliary dyskinesia. Also called: Ciliary dyskinesia. Identifiers: Orphanet 244, MedGen C0008780, MONDO:0016575, HP:0012265.

Allele frequency attached by ClinVar (database versions not stated): gnomAD exomes 0.00011 and 0.00026; ExAC 0.00030; 1000 Genomes Project 0.00060; 1000 Genomes Project 30x 0.00109; gnomAD 0.00121 and 0.00138; TOPMed 0.00138; ESP Exome Variant Server 0.00153.
gnomAD v4.1: 349 of 1,605,864 alleles (0.022%); highest among the groups gnomAD compares: African/African-American, 0.44%; 2 homozygotes.

Submissions (5):

Labcorp Genetics (formerly Invitae), Labcorp
Classification: Likely benign for Primary ciliary dyskinesia. Last evaluated: 2026-01-31. Review status: criteria provided, single submitter. Criteria: Invitae Variant Classification Sherloc (09022015). Collection method: clinical testing. Allele origin: germline.

GeneDx
Classification: Uncertain significance. Last evaluated: 2024-04-25. Review status: criteria provided, single submitter. Criteria: GeneDx Variant Classification Process June 2021. Collection method: clinical testing. Allele origin: germline. Affected: yes.
Comment: In silico analysis supports that this missense variant has a deleterious effect on protein structure/function; Has not been previously published as pathogenic or benign to our knowledge

Blueprint Genetics
Classification: Likely benign. Last evaluated: 2024-02-12. Review status: criteria provided, single submitter. Criteria: ACMG Guidelines, 2015. Collection method: clinical testing. Allele origin: germline.

Ambry Genetics
Classification: Likely benign for Primary ciliary dyskinesia. Last evaluated: 2018-08-17. Review status: criteria provided, single submitter. Criteria: Ambry Variant Classification Scheme 2023. Collection method: clinical testing. Allele origin: germline.

PreventionGenetics, part of Exact Sciences
Classification: Likely benign for DNAH11-related condition. Last evaluated: 2023-10-25. Review status: no assertion criteria provided. Collection method: clinical testing. Allele origin: germline. Not counted in ClinVar's aggregate classification.
Comment: This variant is classified as likely benign based on ACMG/AMP sequence variant interpretation guidelines (Richards et al. 2015 PMID: 25741868, with internal and published modifications).

NM_001277115.2(DNAH11):c.4463C>T (p.Ser1488Phe)

Gene: DNAH11 (dynein axonemal heavy chain 11; plus strand). Cytogenetic location: 7p15.3.
Variant type: single nucleotide variant.
Coding change: c.4463C>T on transcript NM_001277115.2 (MANE Select); coding-DNA position 4463, C replaced by T.
Protein change: p.Ser1488Phe; replaces serine 1488 with phenylalanine.
Molecular consequence: missense variant.
Genome position (GRCh38, 1-based): chr7:21,620,041, C>T. VCF-style: chr7-21620041-C-T. GRCh37 (hg19) VCF-style: chr7-21659659-C-T.
Other names: short protein forms S1488F.
Identifiers: ClinVar variation 416430 (VCV000416430.18), dbSNP rs200581574, ClinGen allele CA4180054.